The following is an entry in ClinVar:

NM_004204.5(PIGQ):c.1029G>C (p.Val343=)

Gene: PIGQ (phosphatidylinositol glycan anchor biosynthesis class Q; plus strand). Cytogenetic location: 16p13.3.
Variant type: single nucleotide variant.
Coding change: c.1029G>C on transcript NM_004204.5 (MANE Select); coding-DNA position 1029, G replaced by C.
Protein change: p.Val343=; no amino-acid change (valine 343 retained).
Molecular consequence: synonymous variant.
Genome position (GRCh38, 1-based): chr16:578,465, G>C. VCF-style: chr16-578465-G-C. GRCh37 (hg19) VCF-style: chr16-628465-G-C.
Other names: c.1029G>C, p.Val343= (NM_148920.4).
Identifiers: ClinVar variation 2854525 (VCV002854525.3), dbSNP rs1167812265, ClinGen allele CA492811148.

ClinVar aggregate classification (germline): Uncertain significance (1 of 4 stars; one submission).

Conditions:
Epilepsy. Also called: Seizure disorder. Identifiers: MedGen C0014544, MeSH D004827, MONDO:0005027.

Submission:

Labcorp Genetics (formerly Invitae), Labcorp
Classification: Uncertain significance for Epilepsy. Last evaluated: 2023-04-13. Review status: criteria provided, single submitter. Criteria: Invitae Variant Classification Sherloc (09022015). Collection method: clinical testing. Allele origin: germline.
Comment: This sequence change affects codon 343 of the PIGQ mRNA. It is a 'silent' change, meaning that it does not change the encoded amino acid sequence of the PIGQ protein. This variant is not present in population databases (gnomAD no frequency). This variant has not been reported in the literature in individuals affected with PIGQ-related conditions. Algorithms developed to predict the effect of sequence changes on RNA splicing suggest that this variant may disrupt the consensus splice site. In summary, the available evidence is currently insufficient to determine the role of this variant in disease. Therefore, it has been classified as a Variant of Uncertain Significance.